The following is an entry in ClinVar:

ClinVar aggregate classification (germline): Pathogenic. Review status: criteria provided, multiple submitters, no conflicts (2 of 4 stars). 2 submissions from 2 submitters: Pathogenic (2). Last evaluated 2022-05-04.

Conditions:
Early-infantile DEE. Also called: Ohtahara syndrome; Early infantile epileptic encephalopathy; Early infantile epileptic encephalopathy with suppression bursts. Identifiers: Orphanet 1934, MedGen C0393706, MONDO:0800491.
Developmental and epileptic encephalopathy, 17 (DEE17). Also called: Early infantile epileptic encephalopathy 17. Identifiers: Orphanet 1934, MedGen C3809606, MONDO:0014199, OMIM 615473.

Allele frequency attached by ClinVar (database versions not stated): gnomAD exomes below 0.00001.
gnomAD v4.1: 1 of 1,600,120 alleles (0.000062%); highest among the groups gnomAD compares: Non-Finnish European, 0.000086%; no homozygotes.

Submissions (2):

Mendelics
Classification: Pathogenic for Developmental and epileptic encephalopathy, 17. Last evaluated: 2022-05-04. Review status: criteria provided, single submitter. Criteria: Mendelics Assertion Criteria 2019. Collection method: clinical testing. Allele origin: germline.

Labcorp Genetics (formerly Invitae), Labcorp
Classification: Pathogenic for Early-infantile DEE. Last evaluated: 2021-04-27. Review status: criteria provided, single submitter. Criteria: Invitae Variant Classification Sherloc (09022015). Collection method: clinical testing. Allele origin: germline.
Comment: This sequence change replaces glycine with arginine at codon 42 of the GNAO1 protein (p.Gly42Arg). The glycine residue is highly conserved and there is a moderate physicochemical difference between glycine and arginine. This variant is not present in population databases (ExAC no frequency). This missense change has been observed in individual(s) with GNAO1-related conditions (PMID: 25590979). In at least one individual the variant was observed to be de novo. Advanced modeling of protein sequence and biophysical properties (such as structural, functional, and spatial information, amino acid conservation, physicochemical variation, residue mobility, and thermodynamic stability) performed at Invitae indicates that this missense variant is expected to disrupt GNAO1 protein function. For these reasons, this variant has been classified as Pathogenic. Experimental studies have shown that this variant affects GNAO1 protein function (PMID: 28747448).

Literature cited by the submitters: PubMed 25590979 (cited by Labcorp Genetics (formerly Invitae), Labcorp); PubMed 28747448 (cited by Labcorp Genetics (formerly Invitae), Labcorp).

NM_020988.3(GNAO1):c.124G>A (p.Gly42Arg)

Gene: GNAO1 (G protein subunit alpha o1; plus strand). Cytogenetic location: 16q13.
Variant type: single nucleotide variant.
Coding change: c.124G>A on transcript NM_020988.3 (MANE Select); coding-DNA position 124, G replaced by A.
Protein change: p.Gly42Arg; replaces glycine 42 with arginine.
Molecular consequence: missense variant.
Genome position (GRCh38, 1-based): chr16:56,192,579, G>A. VCF-style: chr16-56192579-G-A. GRCh37 (hg19) VCF-style: chr16-56226491-G-A.
Other names: c.124G>A, p.Gly42Arg (NM_138736.3); short protein forms G42R.
Identifiers: ClinVar variation 1374497 (VCV001374497.10), dbSNP rs2143272046, ClinGen allele CA396128575.
Genomic context (GRCh38, chr16:56,192,579, plus strand): 5'-CTGTTCCCTTAAGCTGACACTCACCAGTTTTTCCCCACTGTCTGTGTCCCAACAGGGGCT[G>A]GAGAATCAGGAAAAAGCACCATTGTGAAGCAGATGAAGTAAGTCCCTGTGGCATTGGGAT-3'
Protein context (NP_066268.1, residues 32-52): KDVKLLLLGA[Gly42Arg]ESGKSTIVKQ